The following is an entry in ClinVar:

NM_001389.5(DSCAM):c.4969C>T (p.Arg1657Ter)

Gene: DSCAM (DS cell adhesion molecule; minus strand). Cytogenetic location: 21q22.2.
Variant type: single nucleotide variant.
Coding change: c.4969C>T on transcript NM_001389.5 (MANE Select); coding-DNA position 4969, C replaced by T.
Protein change: p.Arg1657Ter; replaces arginine 1657 with a stop codon.
Molecular consequence: nonsense. On other transcripts: non-coding transcript variant (1).
Genome position (GRCh38, 1-based): chr21:40,055,791, G>A on the plus strand (C>T on the coding strand, the complement: DSCAM is on the minus strand). VCF-style: chr21-40055791-G-A. GRCh37 (hg19) VCF-style: chr21-41427718-G-A.
Other names: c.4969C>T, p.Arg1657Ter (NM_001271534.3); c.*62C>T (NM_206887.1); short protein forms R1657*.
Identifiers: ClinVar variation 3036632 (VCV003036632.2), dbSNP rs971817573, ClinGen allele CA410297196.

ClinVar aggregate classification (germline): Uncertain significance (0 of 4 stars; one submission).

Conditions:
DSCAM-related disorder. Also called: DSCAM-related condition.

gnomAD v4.1: 1 of 1,613,746 alleles (0.000062%); highest among the groups gnomAD compares: Non-Finnish European, 0.000085%; no homozygotes.

Submission:

PreventionGenetics, part of Exact Sciences
Classification: Uncertain significance for DSCAM-related condition. Last evaluated: 2023-11-15. Review status: no assertion criteria provided. Collection method: clinical testing. Allele origin: germline.
Comment: The DSCAM c.4969C>T variant is predicted to result in premature protein termination (p.Arg1657*). To our knowledge, this variant has not been reported in the literature or in a large population database, indicating this variant is rare. Although we suspect that this variant may be pathogenic, at this time, the clinical significance of this variant is uncertain due to the absence of conclusive functional and genetic evidence.